The following is an entry in ClinVar:

ClinVar aggregate classification (germline): Uncertain significance (1 of 4 stars; one submission).

Conditions:
PHF2-related disorder. Also called: PHF2-related condition.

gnomAD v4.1: 3 of 1,556,298 alleles (0.00019%); highest among the groups gnomAD compares: Admixed American, 0.0058%; no homozygotes.

Submission:

PreventionGenetics, part of Exact Sciences
Classification: Uncertain significance for PHF2-related condition. Last evaluated: 2023-07-22. Review status: criteria provided, single submitter. Criteria: ACMG Guidelines, 2015. Collection method: clinical testing. Allele origin: germline.
Comment: The PHF2 c.3059G>C variant is predicted to result in the amino acid substitution p.Ser1020Thr. To our knowledge, this variant has not been reported in the literature or in a large population database, indicating this variant is rare. At this time, the clinical significance of this variant is uncertain due to the absence of conclusive functional and genetic evidence.

NM_005392.4(PHF2):c.3059G>C (p.Ser1020Thr)

Gene: PHF2 (PHD finger protein 2; plus strand). Cytogenetic location: 9q22.31.
Variant type: single nucleotide variant.
Coding change: c.3059G>C on transcript NM_005392.4 (MANE Select); coding-DNA position 3059, G replaced by C.
Protein change: p.Ser1020Thr; replaces serine 1020 with threonine.
Molecular consequence: missense variant.
Genome position (GRCh38, 1-based): chr9:93,676,820, G>C. VCF-style: chr9-93676820-G-C. GRCh37 (hg19) VCF-style: chr9-96439102-G-C.
Other names: short protein forms S1020T.
Identifiers: ClinVar variation 2631238 (VCV002631238.1), dbSNP rs201835809, ClinGen allele CA374083529.